The following is an entry in ClinVar:

ClinVar aggregate classification (germline): Uncertain significance (1 of 4 stars; one submission).

gnomAD v4.1: 2 of 1,612,444 alleles (0.00012%); highest among the groups gnomAD compares: African/African-American, 0.0013%; no homozygotes.

Submission:

Labcorp Genetics (formerly Invitae), Labcorp
Classification: Uncertain significance. Last evaluated: 2022-01-04. Review status: criteria provided, single submitter. Criteria: Invitae Variant Classification Sherloc (09022015). Collection method: clinical testing. Allele origin: germline.
Comment: This variant is not present in population databases (gnomAD no frequency). In summary, the available evidence is currently insufficient to determine the role of this variant in disease. Therefore, it has been classified as a Variant of Uncertain Significance. Algorithms developed to predict the effect of sequence changes on RNA splicing suggest that this variant may create or strengthen a splice site. Algorithms developed to predict the effect of missense changes on protein structure and function are either unavailable or do not agree on the potential impact of this missense change (SIFT: "Tolerated"; PolyPhen-2: "Probably Damaging"; Align-GVGD: "Class C0"). This variant has not been reported in the literature in individuals affected with ITGAM-related conditions. This sequence change replaces threonine, which is neutral and polar, with serine, which is neutral and polar, at codon 936 of the ITGAM protein (p.Thr936Ser).

NM_000632.4(ITGAM):c.2807C>G (p.Thr936Ser)

Gene: ITGAM (integrin subunit alpha M; plus strand). Cytogenetic location: 16p11.2.
Variant type: single nucleotide variant.
Coding change: c.2807C>G on transcript NM_000632.4 (MANE Select); coding-DNA position 2807, C replaced by G.
Protein change: p.Thr936Ser; replaces threonine 936 with serine.
Molecular consequence: missense variant.
Genome position (GRCh38, 1-based): chr16:31,329,242, C>G. VCF-style: chr16-31329242-C-G. GRCh37 (hg19) VCF-style: chr16-31340563-C-G.
Other names: c.2810C>G, p.Thr937Ser (NM_001145808.2); short protein forms T936S, T937S.
Identifiers: ClinVar variation 2177487 (VCV002177487.4), dbSNP rs2080549228, ClinGen allele CA395698320.
Genomic context (GRCh38, chr16:31,329,242, plus strand): 5'-CACCCCTCATGTTTTGTCACCTCCTGTCCCTTTTTTCTCCCTTCAGCCATGGGGTCTCCA[C>G]TAAATATCTCAACTTCACGGCCTCAGAGAATACCAGTCGGGTCATGCAGCATCAATATCA-3'
Protein context (NP_000623.2, residues 926-946): YMVVTSHGVS[Thr936Ser]KYLNFTASEN